The following is an entry in ClinVar:

NC_000002.12:g.121530938T>C

Genes: CLASP1 (cytoplasmic linker associated protein 1; minus strand), CLASP1-AS1 (CLASP1 antisense RNA 1; plus strand), RNU4ATAC (RNA, U4atac small nuclear; plus strand). Cytogenetic location: 2q14.2.
Variant type: single nucleotide variant.
Molecular consequence: intron variant (on NM_001395891.1).
Genome position: GRCh38 VCF-style: chr2-121530938-T-C. GRCh37 (hg19) VCF-style: chr2-122288514-T-C.
Other names: c.196-613A>G (NM_001142274.2, NM_015282.3, NM_001378003.1 and 5 more transcripts).
Identifiers: ClinVar variation 1941406 (VCV001941406.2), dbSNP rs942326759, ClinGen allele CA54810878.

ClinVar aggregate classification (germline): Uncertain significance (1 of 4 stars; one submission).

Allele frequency attached by ClinVar (database versions not stated): TOPMed below 0.00001.
gnomAD v4.1: 9 of 700,434 alleles (0.0013%); highest among the groups gnomAD compares: Non-Finnish European, 0.0021%; no homozygotes.

Submission:

Labcorp Genetics (formerly Invitae), Labcorp
Classification: Uncertain significance. Last evaluated: 2022-05-31. Review status: criteria provided, single submitter. Criteria: Invitae Variant Classification Sherloc (09022015). Collection method: clinical testing. Allele origin: germline.
Comment: This variant occurs in the RNU4ATAC gene, which encodes an RNA molecule that does not result in a protein product. This variant is present in population databases (no rsID available, gnomAD 0.004%). This variant has not been reported in the literature in individuals affected with RNU4ATAC-related conditions. Experimental studies and prediction algorithms are not available or were not evaluated, and the functional significance of this variant is currently unknown. In summary, the available evidence is currently insufficient to determine the role of this variant in disease. Therefore, it has been classified as a Variant of Uncertain Significance.